The following is an entry in ClinVar:

NM_023036.6(DNAI2):c.132del (p.Asn45fs)

Gene: DNAI2 (dynein axonemal intermediate chain 2; plus strand). Cytogenetic location: 17q25.1.
Variant type: Deletion.
Coding change: c.132del on transcript NM_023036.6 (MANE Select); coding-DNA position 132, one base deleted (G; older notation c.132delG).
Protein change: p.Asn45fs; shifts the reading frame from asparagine 45.
Molecular consequence: frameshift variant. On other transcripts: non-coding transcript variant (1).
Genome position (GRCh38, 1-based): chr17:74,281,949, G deleted; the last of 2 consecutive G bases (chr17:74,281,948-74,281,949); deleting either gives the same sequence. VCF-style (leftmost placement, unchanged base first): chr17-74281947-CG-C. GRCh37 (hg19) VCF-style: chr17-72278086-CG-C.
Other names: c.132del, p.Asn45fs (NM_001172810.3, NM_001353167.2); c.132del (NM_023036.5); short protein forms N45fs.
Identifiers: ClinVar variation 2172552 (VCV002172552.6), dbSNP rs1567840448, ClinGen allele CA627590949.
Genomic context (GRCh38, chr17:74,281,947, plus strand): 5'-CAGGCCGAGCTGAACATCGACATCATGCCCAACCCTGAGCTGGCCGAGCAGTTCGTGGAG[CG>C]GAACCCAGTGGACACGGGCATCCAGTGCTCGATCAGCATGTCGGAACACGAGGTGGGTCC-3'

ClinVar aggregate classification (germline): Pathogenic/Likely pathogenic. Review status: criteria provided, multiple submitters, no conflicts (2 of 4 stars). 3 submissions from 3 submitters: Pathogenic (2); Likely pathogenic (1). Last evaluated 2024-12-26.

Conditions:
Primary ciliary dyskinesia. Also called: Ciliary dyskinesia. Identifiers: Orphanet 244, MedGen C0008780, MONDO:0016575, HP:0012265.
Primary ciliary dyskinesia 9. Also called: CILIARY DYSKINESIA, PRIMARY, 9, WITH OR WITHOUT SITUS INVERSUS. Identifiers: Orphanet 244, MedGen C2676235, MONDO:0012906, OMIM 612444.

Submissions (3):

Natera, Inc.
Classification: Likely pathogenic for Primary ciliary dyskinesia. Last evaluated: 2024-12-26. Review status: criteria provided, single submitter. Criteria: Natera Variant Classification Schema (03/2026). Collection method: clinical testing. Allele origin: germline.
Comment: The c.132del variant in DNAI2 is a frameshift variant predicted to shift the reading frame beginning at codon 45 and leads to a stop codon 41 codons downstream. This variant is expected to result in nonsense mediated decay, truncation, or a dysfunctional protein product. This variant is rare in the general population with a frequency below the threshold expected for the associated phenotype(s). Given the available evidence, this variant is classified as Likely Pathogenic.

Myriad Genetics, Inc.
Classification: Pathogenic for Primary ciliary dyskinesia 9. Last evaluated: 2024-12-10. Review status: criteria provided, single submitter. Criteria: Myriad Autosomal Dominant, Autosomal Recessive and X-Linked Classification Criteria (2023). Collection method: clinical testing. Allele origin: unknown.
Comment: NM_023036.4(DNAI2):c.132delG(N45Tfs*41) is expected to be pathogenic in the context of primary ciliary dyskinesia, DNAI2-related. This variant is predicted to lead to an abnormal or absent protein product due to the creation of a premature termination codon in DNAI2, a gene where loss-of-function variants are known to be pathogenic. Please note: this variant was assessed in the context of healthy population screening.

Labcorp Genetics (formerly Invitae), Labcorp
Classification: Pathogenic for Primary ciliary dyskinesia. Last evaluated: 2023-05-27. Review status: criteria provided, single submitter. Criteria: Invitae Variant Classification Sherloc (09022015). Collection method: clinical testing. Allele origin: germline.
Comment: For these reasons, this variant has been classified as Pathogenic. ClinVar contains an entry for this variant (Variation ID: 2172552). This variant has not been reported in the literature in individuals affected with DNAI2-related conditions. This variant is present in population databases (no rsID available, gnomAD 0.007%). This sequence change creates a premature translational stop signal (p.Asn45Thrfs*41) in the DNAI2 gene. It is expected to result in an absent or disrupted protein product. Loss-of-function variants in DNAI2 are known to be pathogenic (PMID: 18950741, 23891469).

Literature cited by the submitters: PubMed 18950741 (cited by Labcorp Genetics (formerly Invitae), Labcorp); PubMed 23891469 (cited by Labcorp Genetics (formerly Invitae), Labcorp).